The following is an entry in ClinVar:

ClinVar aggregate classification (germline): Likely benign. Review status: criteria provided, multiple submitters, no conflicts (2 of 4 stars). 2 submissions from 2 submitters: Likely benign (2). Last evaluated 2026-01-14.

Conditions:
Hypertrophic cardiomyopathy. Also called: HYPERTROPHIC MYOCARDIOPATHY. Identifiers: Orphanet 217569, MedGen C0007194, MeSH D002312, MONDO:0005045, HP:0001639.

Allele frequency attached by ClinVar (database versions not stated): gnomAD 0.00006 and 0.00025; TOPMed 0.00011; ESP Exome Variant Server 0.00025; gnomAD exomes 0.00037 and 0.00056; ExAC 0.00055; 1000 Genomes Project 30x 0.00094; 1000 Genomes Project 0.00100.
gnomAD v4.1: 564 of 1,613,806 alleles (0.035%); highest among the groups gnomAD compares: South Asian, 0.44%; 6 homozygotes.

Submissions (2):

Labcorp Genetics (formerly Invitae), Labcorp
Classification: Likely benign for Hypertrophic cardiomyopathy. Last evaluated: 2026-01-14. Review status: criteria provided, single submitter. Criteria: Invitae Variant Classification Sherloc (09022015). Collection method: clinical testing. Allele origin: germline.

Laboratory for Molecular Medicine, Mass General Brigham Personalized Medicine
Classification: Likely benign. Last evaluated: 2015-06-25. Review status: criteria provided, single submitter. Criteria: LMM Criteria. Collection method: clinical testing. Allele origin: germline. Observed: 1 variant allele.
Comment: p.Glu784Lys in exon 16 of MYOM1: This variant is not expected to have clinical s ignificance because it has been identified in 0.4% (60/16544) of South Asian chr omosomes by the Exome Aggregation Consortium (ExAC, rg; dbSNP rs368949465).

NM_003803.4(MYOM1):c.2350G>A (p.Glu784Lys)

Gene: MYOM1 (myomesin 1; minus strand). Cytogenetic location: 18p11.31.
Variant type: single nucleotide variant.
Coding change: c.2350G>A on transcript NM_003803.4 (MANE Select); coding-DNA position 2350, G replaced by A.
Protein change: p.Glu784Lys; replaces glutamic acid 784 with lysine.
Molecular consequence: missense variant.
Genome position (GRCh38, 1-based): chr18:3,134,684, C>T on the plus strand (G>A on the coding strand, the complement: MYOM1 is on the minus strand). VCF-style: chr18-3134684-C-T. GRCh37 (hg19) VCF-style: chr18-3134682-C-T.
Other names: c.2350G>A, p.Glu784Lys (NM_019856.2); short protein forms E784K.
Identifiers: ClinVar variation 227696 (VCV000227696.16), dbSNP rs368949465, ClinGen allele CA8874677.
Genomic context (GRCh38, chr18:3,134,684, plus strand): 5'-CCGCCCTGCACACCCGACTGAGTTACCGTGAGCCCTTCACGGGGTTGTTGTTACAGGGCT[C>T]CCACTTGCCAGAGCCAGCAACGCTCGCCTCTATGTAGTACCCGACCAGCTCTTTGGCATC-3'
Protein context (NP_003794.3, residues 774-794): EASVAGSGKW[Glu784Lys]PCNNNPVKGS